The following is an entry in ClinVar:

ClinVar aggregate classification (germline): Uncertain significance (1 of 4 stars; one submission).

Conditions:
Catecholaminergic polymorphic ventricular tachycardia 1. Also called: VENTRICULAR TACHYCARDIA, STRESS-INDUCED POLYMORPHIC 1; VENTRICULAR TACHYCARDIA, CATECHOLAMINERGIC POLYMORPHIC, 1, WITH OR WITHOUT ATRIAL DYSFUNCTION AND/OR DILATED CARDIOMYOPATHY; RYR2-Related Catecholaminergic Polymorphic Ventricular Tachycardia. Identifiers: Orphanet 3286, MedGen C1631597, MONDO:0011484, OMIM 604772.

Submission:

Labcorp Genetics (formerly Invitae), Labcorp
Classification: Uncertain significance for Catecholaminergic polymorphic ventricular tachycardia 1. Last evaluated: 2023-04-28. Review status: criteria provided, single submitter. Criteria: Invitae Variant Classification Sherloc (09022015). Collection method: clinical testing. Allele origin: germline.
Comment: In summary, the available evidence is currently insufficient to determine the role of this variant in disease. Therefore, it has been classified as a Variant of Uncertain Significance. Advanced modeling of protein sequence and biophysical properties (such as structural, functional, and spatial information, amino acid conservation, physicochemical variation, residue mobility, and thermodynamic stability) performed at Invitae indicates that this missense variant is not expected to disrupt RYR2 protein function. This variant has not been reported in the literature in individuals affected with RYR2-related conditions. This variant is present in population databases (no rsID available, gnomAD 0.007%). This sequence change replaces methionine, which is neutral and non-polar, with leucine, which is neutral and non-polar, at codon 1168 of the RYR2 protein (p.Met1168Leu).

NM_001035.3(RYR2):c.3502A>C (p.Met1168Leu)

Gene: RYR2 (ryanodine receptor 2; plus strand). Cytogenetic location: 1q43.
Variant type: single nucleotide variant.
Coding change: c.3502A>C on transcript NM_001035.3 (MANE Select); coding-DNA position 3502, A replaced by C.
Protein change: p.Met1168Leu; replaces methionine 1168 with leucine.
Molecular consequence: missense variant.
Genome position (GRCh38, 1-based): chr1:237,569,223, A>C. VCF-style: chr1-237569223-A-C. GRCh37 (hg19) VCF-style: chr1-237732523-A-C.
Other names: short protein forms M1168L.
Identifiers: ClinVar variation 2792795 (VCV002792795.3), dbSNP rs1217551741, ClinGen allele CA345390304.